The following is an entry in ClinVar:

ClinVar aggregate classification (germline): Uncertain significance (1 of 4 stars; one submission).

gnomAD v4.1: 1 of 1,209,084 alleles (0.000083%); highest among the groups gnomAD compares: East Asian, 0.003%; no homozygotes.

Submission:

Ambry Genetics
Classification: Uncertain significance. Last evaluated: 2025-12-10. Review status: criteria provided, single submitter. Criteria: Ambry Variant Classification Scheme 2023. Collection method: clinical testing. Allele origin: germline.
Comment: The c.145C>T (p.P49S) alteration is located in exon 3 (coding exon 3) of the KLF8 gene. This alteration results from a C to T substitution at nucleotide position 145, causing the proline (P) at amino acid position 49 to be replaced by a serine (S). Based on data from gnomAD, the T allele has an overall frequency of 0.001% (1/180062) total alleles studied. The highest observed frequency was 0.001% (1/80001) of European (non-Finnish) alleles. Based on insufficient or conflicting evidence, the clinical significance of this alteration remains unclear.

NM_007250.5(KLF8):c.145C>T (p.Pro49Ser)

Gene: KLF8 (KLF transcription factor 8; plus strand). Cytogenetic location: Xp11.21.
Variant type: single nucleotide variant.
Coding change: c.145C>T on transcript NM_007250.5 (MANE Select); coding-DNA position 145, C replaced by T.
Protein change: p.Pro49Ser; replaces proline 49 with serine.
Molecular consequence: missense variant. On other transcripts: non-coding transcript variant (2).
Genome position (GRCh38, 1-based): chrX:56,265,243, C>T. VCF-style: chrX-56265243-C-T. GRCh37 (hg19) VCF-style: chrX-56291676-C-T.
Other names: c.145C>T, p.Pro49Ser (NM_001159296.2, NM_001324100.1, NM_001324102.1); c.130C>T, p.Pro44Ser (NM_001324099.1); c.160C>T, p.Pro54Ser (NM_001324104.1); c.136C>T, p.Pro46Ser (NM_001324105.1); short protein forms P49S, P54S, P44S, P46S.
Identifiers: ClinVar variation 4544301 (VCV004544301.1).